The following is an entry in ClinVar:

NM_015629.4(PRPF31):c.469C>T (p.Gln157Ter)

Gene: PRPF31 (pre-mRNA processing factor 31; plus strand). Cytogenetic location: 19q13.42.
Variant type: single nucleotide variant.
Coding change: c.469C>T on transcript NM_015629.4 (MANE Select); coding-DNA position 469, C replaced by T.
Protein change: p.Gln157Ter; replaces glutamine 157 with a stop codon.
Molecular consequence: nonsense.
Genome position (GRCh38, 1-based): chr19:54,123,502, C>T. VCF-style: chr19-54123502-C-T. GRCh37 (hg19) VCF-style: chr19-54626881-C-T.
Other names: short protein forms Q157*.
Identifiers: ClinVar variation 4074910 (VCV004074910.2).

ClinVar aggregate classification (germline): Pathogenic. Review status: criteria provided, multiple submitters, no conflicts (2 of 4 stars). 2 submissions from 2 submitters: Pathogenic (2). Last evaluated 2025-07-13.

Conditions:
Cone-rod dystrophy. Also called: Cone/cone-rod dystrophy; Cone-rod degeneration. Identifiers: Orphanet 1872, MedGen C4085590, MONDO:0015993, HP:0000548.

Submissions (2):

Labcorp Genetics (formerly Invitae), Labcorp
Classification: Pathogenic. Last evaluated: 2025-07-13. Review status: criteria provided, single submitter. Criteria: Invitae Variant Classification Sherloc (09022015). Collection method: clinical testing. Allele origin: germline.
Comment: This sequence change creates a premature translational stop signal (p.Gln157*) in the PRPF31 gene. It is expected to result in an absent or disrupted protein product. Loss-of-function variants in PRPF31 are known to be pathogenic (PMID: 18317597, 23950152). This variant is not present in population databases (gnomAD no frequency). This variant has not been reported in the literature in individuals affected with PRPF31-related conditions. For these reasons, this variant has been classified as Pathogenic.

Cambridge Genomics Laboratory, East Genomic Laboratory Hub, NHS Genomic Medicine Service
Classification: Pathogenic for Cone-rod dystrophy. Last evaluated: 2019-12-14. Review status: criteria provided, single submitter. Criteria: ACGS Best Practice Guidelines for Variant Classification in Rare Disease 2020. Collection method: clinical testing. Allele origin: germline. Affected: yes. Observed: 1 variant allele.

Literature cited by the submitters: PubMed 18317597 (cited by Labcorp Genetics (formerly Invitae), Labcorp); PubMed 23950152 (cited by Labcorp Genetics (formerly Invitae), Labcorp).